The following is an entry in ClinVar:

ClinVar aggregate classification (germline): Benign/Likely benign. Review status: criteria provided, multiple submitters, no conflicts (2 of 4 stars). 3 submissions from 2 submitters: Benign (2); Likely benign (1). Last evaluated 2023-07-01.

Conditions:
Holoprosencephaly 7 (HPE7). Identifiers: Orphanet 2162, MedGen C1835820, MONDO:0012562, OMIM 610828.
Gorlin syndrome. Also called: Basal cell nevus syndrome; Nevoid Basal Cell Carcinoma Syndrome. Identifiers: Orphanet 377, MedGen C0004779, MONDO:0007187.

Allele frequency attached by ClinVar (database versions not stated): 1000 Genomes Project 0.00359; TOPMed 0.00652; gnomAD 0.00865 and 0.00884.

Submissions (3):

CeGaT Center for Human Genetics Tuebingen
Classification: Likely benign. Last evaluated: 2023-07-01. Review status: criteria provided, single submitter. Criteria: CeGaT Center For Human Genetics Tuebingen Variant Classification Criteria Version 2. Collection method: clinical testing. Allele origin: germline. Affected: yes. Observed: 26 variant alleles.
Comment: PTCH1: BS1

Illumina Laboratory Services, Illumina
Classification: Benign for Basal cell nevus syndrome 1. Last evaluated: 2018-01-13. Review status: criteria provided, single submitter. Criteria: ICSL Variant Classification Criteria 13 December 2019. Collection method: clinical testing. Allele origin: germline.
Comment: This variant was observed in the ICSL laboratory as part of a predisposition screen in an ostensibly healthy population. It had not been previously curated by ICSL or reported in the Human Gene Mutation Database (HGMD: prior to June 1st, 2018), and was therefore a candidate for classification through an automated scoring system. Utilizing variant allele frequency, disease prevalence and penetrance estimates, and inheritance mode, an automated score was calculated to assess if this variant is too frequent to cause the disease. Based on the score and internal cut-off values, a variant classified as benign is not then subjected to further curation. The score for this variant resulted in a classification of benign for this disease.

Illumina Laboratory Services, Illumina
Classification: Benign for Holoprosencephaly 7. Last evaluated: 2018-01-13. Review status: criteria provided, single submitter. Criteria: ICSL Variant Classification Criteria 13 December 2019. Collection method: clinical testing. Allele origin: germline.
Comment: the same text as in the submission from Illumina Laboratory Services, Illumina above.

NM_000264.5(PTCH1):c.*3341T>C

Gene: PTCH1 (patched 1; minus strand). Cytogenetic location: 9q22.32.
Variant type: single nucleotide variant.
Coding change: c.*3341T>C on transcript NM_000264.5 (MANE Select); 3341 bases downstream of the stop codon, T replaced by C.
Molecular consequence: 3 prime UTR variant. On other transcripts: non-coding transcript variant (1).
Genome position (GRCh38, 1-based): chr9:95,443,052, A>G on the plus strand (T>C on the coding strand, the complement: PTCH1 is on the minus strand). VCF-style: chr9-95443052-A-G. GRCh37 (hg19) VCF-style: chr9-98205334-A-G.
Other names: c.*3341T>C (NM_001083602.3, NM_001083603.3, NM_001083604.3 and 4 more transcripts).
Identifiers: ClinVar variation 367615 (VCV000367615.33), dbSNP rs138499623, ClinGen allele CA10634535.
Genomic context (GRCh38, chr9:95,443,052, plus strand): 5'-TTGGCTTTATTTATGTTCCCTCATTATTAGGCATCACATAAGGGAAATAAGTATGCTAAG[A>G]GAGATGACAGAAGGACTAATTTTGATGGTTAACTTAGGAAGTTTCTTGGTATGAGAAAAC-3'